The following is an entry in ClinVar:

NM_001146.5(ANGPT1):c.641A>G (p.Glu214Gly)

Gene: ANGPT1 (angiopoietin 1; minus strand). Cytogenetic location: 8q23.1.
Variant type: single nucleotide variant.
Coding change: c.641A>G on transcript NM_001146.5 (MANE Select); coding-DNA position 641, A replaced by G.
Protein change: p.Glu214Gly; replaces glutamic acid 214 with glycine.
Molecular consequence: missense variant.
Genome position (GRCh38, 1-based): chr8:107,322,063, T>C on the plus strand (A>G on the coding strand, the complement: ANGPT1 is on the minus strand). VCF-style: chr8-107322063-T-C. GRCh37 (hg19) VCF-style: chr8-108334291-T-C.
Other names: c.641A>G, p.Glu214Gly (NM_001199859.3); c.41A>G, p.Glu14Gly (NM_001314051.2); short protein forms E214G, E14G.
Identifiers: ClinVar variation 2051141 (VCV002051141.4), dbSNP rs769579405, ClinGen allele CA4841297.

ClinVar aggregate classification (germline): Uncertain significance (1 of 4 stars; one submission).

Allele frequency attached by ClinVar (database versions not stated): gnomAD 0.00001; ExAC 0.00001.
gnomAD v4.1: 2 of 1,613,892 alleles (0.00012%); highest among the groups gnomAD compares: Non-Finnish European, 0.00017%; no homozygotes.

Submission:

Labcorp Genetics (formerly Invitae), Labcorp
Classification: Uncertain significance. Last evaluated: 2022-08-27. Review status: criteria provided, single submitter. Criteria: Invitae Variant Classification Sherloc (09022015). Collection method: clinical testing. Allele origin: germline.
Comment: In summary, the available evidence is currently insufficient to determine the role of this variant in disease. Therefore, it has been classified as a Variant of Uncertain Significance. Algorithms developed to predict the effect of missense changes on protein structure and function (SIFT, PolyPhen-2, Align-GVGD) all suggest that this variant is likely to be tolerated. This variant has not been reported in the literature in individuals affected with ANGPT1-related conditions. This variant is present in population databases (rs769579405, gnomAD 0.002%). This sequence change replaces glutamic acid, which is acidic and polar, with glycine, which is neutral and non-polar, at codon 214 of the ANGPT1 protein (p.Glu214Gly).